The following is an entry in ClinVar:

NM_014413.4(EIF2AK1):c.257G>A (p.Arg86His)

Gene: EIF2AK1 (eukaryotic translation initiation factor 2 alpha kinase 1; minus strand). Cytogenetic location: 7p22.1.
Variant type: single nucleotide variant.
Coding change: c.257G>A on transcript NM_014413.4 (MANE Select); coding-DNA position 257, G replaced by A.
Protein change: p.Arg86His; replaces arginine 86 with histidine.
Molecular consequence: missense variant.
Genome position (GRCh38, 1-based): chr7:6,054,566, C>T on the plus strand (G>A on the coding strand, the complement: EIF2AK1 is on the minus strand). VCF-style: chr7-6054566-C-T. GRCh37 (hg19) VCF-style: chr7-6094197-C-T.
Other names: c.257G>A, p.Arg86His (NM_001134335.2); short protein forms R86H.
Identifiers: ClinVar variation 1940087 (VCV001940087.5), dbSNP rs1350236166, ClinGen allele CA366757906.

ClinVar aggregate classification (germline): Uncertain significance (1 of 4 stars; one submission).

Allele frequency attached by ClinVar (database versions not stated): gnomAD 0.00001; TOPMed 0.00003.
gnomAD v4.1: 22 of 1,613,938 alleles (0.0014%); highest among the groups gnomAD compares: African/African-American, 0.0093%; no homozygotes.

Submission:

Labcorp Genetics (formerly Invitae), Labcorp
Classification: Uncertain significance. Last evaluated: 2022-04-08. Review status: criteria provided, single submitter. Criteria: Invitae Variant Classification Sherloc (09022015). Collection method: clinical testing. Allele origin: germline.
Comment: In summary, the available evidence is currently insufficient to determine the role of this variant in disease. Therefore, it has been classified as a Variant of Uncertain Significance. Algorithms developed to predict the effect of missense changes on protein structure and function output the following: SIFT: "Tolerated"; PolyPhen-2: "Benign"; Align-GVGD: "Class C0". The histidine amino acid residue is found in multiple mammalian species, which suggests that this missense change does not adversely affect protein function. This variant has not been reported in the literature in individuals affected with EIF2AK1-related conditions. This variant is present in population databases (no rsID available, gnomAD 0.01%). This sequence change replaces arginine, which is basic and polar, with histidine, which is basic and polar, at codon 86 of the EIF2AK1 protein (p.Arg86His).